The following is an entry in ClinVar:

ClinVar aggregate classification (germline): Uncertain significance (1 of 4 stars; one submission).

Allele frequency attached by ClinVar (database versions not stated): ExAC 0.00002; gnomAD exomes 0.00002 and 0.00004; gnomAD 0.00003 and 0.00004; TOPMed 0.00004; ESP Exome Variant Server 0.00015.
gnomAD v4.1: 69 of 1,614,056 alleles (0.0043%); highest among the groups gnomAD compares: Non-Finnish European, 0.0055%; no homozygotes.

Submission:

Labcorp Genetics (formerly Invitae), Labcorp
Classification: Uncertain significance. Last evaluated: 2022-08-16. Review status: criteria provided, single submitter. Criteria: Invitae Variant Classification Sherloc (09022015). Collection method: clinical testing. Allele origin: germline.
Comment: In summary, the available evidence is currently insufficient to determine the role of this variant in disease. Therefore, it has been classified as a Variant of Uncertain Significance. Algorithms developed to predict the effect of missense changes on protein structure and function are either unavailable or do not agree on the potential impact of this missense change (SIFT: "Tolerated"; PolyPhen-2: "Possibly Damaging"; Align-GVGD: "Class C0"). ClinVar contains an entry for this variant (Variation ID: 1406774). This variant has not been reported in the literature in individuals affected with CNNM4-related conditions. This variant is present in population databases (rs372360561, gnomAD 0.01%). This sequence change replaces aspartic acid, which is acidic and polar, with glutamic acid, which is acidic and polar, at codon 420 of the CNNM4 protein (p.Asp420Glu).

NM_020184.4(CNNM4):c.1260T>A (p.Asp420Glu)

Gene: CNNM4 (cyclin and CBS domain divalent metal cation transport mediator 4; plus strand). Cytogenetic location: 2q11.2.
Variant type: single nucleotide variant.
Coding change: c.1260T>A on transcript NM_020184.4 (MANE Select); coding-DNA position 1260, T replaced by A.
Protein change: p.Asp420Glu; replaces aspartic acid 420 with glutamic acid.
Molecular consequence: missense variant.
Genome position (GRCh38, 1-based): chr2:96,762,259, T>A. VCF-style: chr2-96762259-T-A. GRCh37 (hg19) VCF-style: chr2-97427996-T-A.
Other names: short protein forms D420E.
Identifiers: ClinVar variation 1406774 (VCV001406774.8), dbSNP rs372360561, ClinGen allele CA1783310.